The following is an entry in ClinVar:

ClinVar aggregate classification (germline): Uncertain significance (1 of 4 stars; one submission).

Submission:

GeneDx
Classification: Uncertain significance. Last evaluated: 2024-08-28. Review status: criteria provided, single submitter. Criteria: GeneDx Variant Classification Process June 2021. Collection method: clinical testing. Allele origin: germline. Affected: yes.
Comment: Not observed at significant frequency in large population cohorts (gnomAD); In silico analysis indicates that this missense variant does not alter protein structure/function; Has not been previously published as pathogenic or benign to our knowledge

NM_005121.3(MED13):c.1028A>G (p.Gln343Arg)

Gene: MED13 (mediator complex subunit 13; minus strand). Cytogenetic location: 17q23.2.
Variant type: single nucleotide variant.
Coding change: c.1028A>G on transcript NM_005121.3 (MANE Select); coding-DNA position 1028, A replaced by G.
Protein change: p.Gln343Arg; replaces glutamine 343 with arginine.
Molecular consequence: missense variant.
Genome position (GRCh38, 1-based): chr17:62,029,995, T>C on the plus strand (A>G on the coding strand, the complement: MED13 is on the minus strand). VCF-style: chr17-62029995-T-C. GRCh37 (hg19) VCF-style: chr17-60107356-T-C.
Other names: short protein forms Q343R.
Identifiers: ClinVar variation 3765953 (VCV003765953.1).